The following is an entry in ClinVar:

NM_000138.5(FBN1):c.2420-16_2540-19delinsAAT

Gene: FBN1 (fibrillin 1; minus strand). Cytogenetic location: 15q21.1.
Variant type: Indel.
Coding change: c.2420-16_2540-19delinsAAT on transcript NM_000138.5 (MANE Select); 16 bases into the intron before coding-DNA position 2420 through 19 bases into the intron before coding-DNA position 2540, the reference bases replaced by AAT.
Molecular consequence: splice acceptor variant, splice donor variant.
Genome position (GRCh38, 1-based): chr15:48,495,279-48,495,604, 326 bases replaced. GRCh37 (hg19): chr15:48,787,476-48,787,801.
Other names: c.2420-16_2540-19delinsAAT (NM_001406716.1).
Identifiers: ClinVar variation 3513587 (VCV003513587.1).

ClinVar aggregate classification (germline): Uncertain significance (1 of 4 stars; one submission).

Conditions:
Familial thoracic aortic aneurysm and aortic dissection (TAAD). Also called: Thoracic aortic aneurysms and dissections. Identifiers: Orphanet 91387, MedGen C4707243, MONDO:0019625.

Submission:

Ambry Genetics
Classification: Uncertain significance for Familial thoracic aortic aneurysm and aortic dissection. Last evaluated: 2024-09-16. Review status: criteria provided, single submitter. Criteria: Ambry Variant Classification Scheme 2023. Collection method: clinical testing. Allele origin: germline.
Comment: The c.2420-16_2540-19delinsAAT gross deletion spans exon 21 (coding exon 20) of the FBN1 gene, and includes the deletion of 326 nucleotides and insertion of 3 nucleotides. The resulting transcript is predicted to preserve the reading frame and is not expected to trigger nonsense-mediated mRNAdecay. The exact functional effect of the missing amino acids is unknown. This variant was not reported in population-based cohorts in the Genome Aggregation Database (gnomAD). Based on insufficient or conflicting evidence, the clinical significance of this alteration remains unclear.